The following is an entry in ClinVar:

ClinVar aggregate classification (germline): Uncertain significance. Review status: criteria provided, multiple submitters, no conflicts (2 of 4 stars). 2 submissions from 2 submitters: Uncertain significance (2). Last evaluated 2024-08-06.

Conditions:
Catecholaminergic polymorphic ventricular tachycardia (CVPT). Also called: Catecholamine-induced polymorphic ventricular tachycardia. Identifiers: Orphanet 3286, MedGen C5574922, MONDO:0017990.
Catecholaminergic polymorphic ventricular tachycardia 1. Also called: VENTRICULAR TACHYCARDIA, CATECHOLAMINERGIC POLYMORPHIC, 1, WITH OR WITHOUT ATRIAL DYSFUNCTION AND/OR DILATED CARDIOMYOPATHY; RYR2-Related Catecholaminergic Polymorphic Ventricular Tachycardia; VENTRICULAR TACHYCARDIA, STRESS-INDUCED POLYMORPHIC 1. Identifiers: Orphanet 3286, MedGen C1631597, MONDO:0011484, OMIM 604772.

Submissions (2):

All of Us Research Program, National Institutes of Health
Classification: Uncertain significance for Catecholaminergic polymorphic ventricular tachycardia. Last evaluated: 2024-08-06. Review status: criteria provided, single submitter. Criteria: ACMG Guidelines, 2015. Collection method: clinical testing. Allele origin: germline. Inheritance: Autosomal dominant inheritance. Observed: 1 variant allele, 1 heterozygote.
Comment: This study involves interpretation of variants in research participants for the purpose of population health screening. Participant phenotype was not available at the time of variant classification. Additional details can be found in publication PMID: 35346344, PMCID: PMC8962531

Labcorp Genetics (formerly Invitae), Labcorp
Classification: Uncertain significance for Catecholaminergic polymorphic ventricular tachycardia 1. Last evaluated: 2022-05-11. Review status: criteria provided, single submitter. Criteria: Invitae Variant Classification Sherloc (09022015). Collection method: clinical testing. Allele origin: germline.
Comment: This variant has not been reported in the literature in individuals affected with RYR2-related conditions. This variant is not present in population databases (gnomAD no frequency). This sequence change replaces proline, which is neutral and non-polar, with serine, which is neutral and polar, at codon 4439 of the RYR2 protein (p.Pro4439Ser). In summary, the available evidence is currently insufficient to determine the role of this variant in disease. Therefore, it has been classified as a Variant of Uncertain Significance. Advanced modeling of protein sequence and biophysical properties (such as structural, functional, and spatial information, amino acid conservation, physicochemical variation, residue mobility, and thermodynamic stability) performed at Invitae indicates that this missense variant is not expected to disrupt RYR2 protein function.

NM_001035.3(RYR2):c.13315C>T (p.Pro4439Ser)

Gene: RYR2 (ryanodine receptor 2; plus strand). Cytogenetic location: 1q43.
Variant type: single nucleotide variant.
Coding change: c.13315C>T on transcript NM_001035.3 (MANE Select); coding-DNA position 13315, C replaced by T.
Protein change: p.Pro4439Ser; replaces proline 4439 with serine.
Molecular consequence: missense variant.
Genome position (GRCh38, 1-based): chr1:237,786,023, C>T. VCF-style: chr1-237786023-C-T. GRCh37 (hg19) VCF-style: chr1-237949323-C-T.
Other names: short protein forms P4439S.
Identifiers: ClinVar variation 1993017 (VCV001993017.5), dbSNP rs746608828, ClinGen allele CA345415956.